The following is an entry in ClinVar:

ClinVar aggregate classification (germline): Pathogenic (3 of 4 stars; one submission).

Conditions:
Breast-ovarian cancer, familial, susceptibility to, 2 (BROVCA2). Also called: BRCA2 Hereditary Breast and Ovarian Cancer. Identifiers: Orphanet 145, MedGen C2675520, MONDO:0012933, OMIM 612555. Disease mechanism: loss of function.

Submission:

Evidence-based Network for the Interpretation of Germline Mutant Alleles (ENIGMA)
Classification: Pathogenic for Breast-ovarian cancer, familial, susceptibility to, 2. Last evaluated: 2017-12-15. Review status: reviewed by expert panel. Criteria: ENIGMA BRCA1/2 Classification Criteria (2017-06-29). Collection method: curation. Allele origin: germline. Study: ENIGMA.
Comment: Variant allele predicted to encode a truncated non-functional protein.

NM_000059.4(BRCA2):c.7674_7675insAAAC (p.Ser2559fs)

Gene: BRCA2 (BRCA2 DNA repair associated; plus strand). Cytogenetic location: 13q13.1.
Variant type: Insertion.
Coding change: c.7674_7675insAAAC on transcript NM_000059.4 (MANE Select); coding-DNA positions 7674 to 7675, AAAC inserted.
Protein change: p.Ser2559fs; shifts the reading frame from serine 2559.
Molecular consequence: frameshift variant.
Genome position: GRCh38 VCF-style: chr13-32357798-G-GAAAC. GRCh37 (hg19) VCF-style: chr13-32931935-G-GAAAC.
Other names: short protein forms S2559fs.
Identifiers: ClinVar variation 548353 (VCV000548353.1), dbSNP rs1555286406, ClinGen allele CA658823753.